The following is an entry in ClinVar:

ClinVar aggregate classification (germline): Pathogenic (1 of 4 stars; one submission).

Conditions:
Capillary malformation-arteriovenous malformation syndrome. Also called: Capillary malformation-arteriovenous malformation. Identifiers: Orphanet 137667, MedGen C1842180, MONDO:0012016.

Submission:

Labcorp Genetics (formerly Invitae), Labcorp
Classification: Pathogenic for Capillary malformation-arteriovenous malformation syndrome. Last evaluated: 2019-03-27. Review status: criteria provided, single submitter. Criteria: Invitae Variant Classification Sherloc (09022015). Collection method: clinical testing. Allele origin: germline.
Comment: This variant is not present in population databases (ExAC no frequency). For these reasons, this variant has been classified as Pathogenic. Loss-of-function variants in RASA1 are known to be pathogenic (PMID: 24038909). Algorithms developed to predict the effect of sequence changes on RNA splicing suggest that this variant may create or strengthen a splice site, but this prediction has not been confirmed by published transcriptional studies. This variant has been observed in a family affected with RASA1-related disease (PMID: 24038909). This sequence change creates a premature translational stop signal (p.Ser122*) in the RASA1 gene. It is expected to result in an absent or disrupted protein product.

Literature cited by the submitters: PubMed 24038909.

NM_002890.3(RASA1):c.365C>A (p.Ser122Ter)

Gene: RASA1 (RAS p21 protein activator 1; plus strand). Cytogenetic location: 5q14.3.
Variant type: single nucleotide variant.
Coding change: c.365C>A on transcript NM_002890.3 (MANE Select); coding-DNA position 365, C replaced by A.
Protein change: p.Ser122Ter; replaces serine 122 with a stop codon.
Molecular consequence: nonsense.
Genome position (GRCh38, 1-based): chr5:87,268,816, C>A. VCF-style: chr5-87268816-C-A. GRCh37 (hg19) VCF-style: chr5-86564633-C-A.
Other names: short protein forms S122*.
Identifiers: ClinVar variation 952905 (VCV000952905.10), dbSNP rs1187087405, ClinGen allele CA360417251.
Genomic context (GRCh38, chr5:87,268,816, plus strand): 5'-TGGCCGGTGCTGCTGTTGCTGGACCTAGTGGAGACATGGCTCTCACCAAACTGCCCACTT[C>A]GTTGCTTGCTGAGACTCTCGGGCCAGGCGGCGGTTTTCCCCCTCTGCCCCCTCCCCCTTA-3'